The following is an entry in ClinVar:

ClinVar aggregate classification (germline): Uncertain significance (1 of 4 stars; one submission).

Conditions:
Epilepsy, familial focal, with variable foci 3 (FFEVF3). Identifiers: MedGen C4310708, MONDO:0014925, OMIM 617118.

Submission:

3billion
Classification: Uncertain significance for Epilepsy, familial focal, with variable foci 3. Last evaluated: 2025-12-22. Review status: criteria provided, single submitter. Criteria: ACMG Guidelines, 2015. Collection method: clinical testing. Allele origin: germline. Affected: yes.
Comment: The variant is not observed in the gnomAD v4.1.0 dataset. Predicted Consequence/Location: Intron variant In silico tools predict the variant to alter splicing and produce an abnormal transcript [SpliceAI: 0.41 (>=0.2, moderate evidence for spliceogenicity)]. Therefore, this variant is classified as VUS according to the recommendation of ACMG/AMP guideline.

NM_001077350.3(NPRL3):c.629+887T>A

Genes: HBA-LCR (alpha-globin locus control region; plus strand), NPRL3 (NPR3 like, GATOR1 complex subunit; minus strand). Cytogenetic location: 16p13.3.
Variant type: single nucleotide variant.
Coding change: c.629+887T>A on transcript NM_001077350.3 (MANE Select); 887 bases into the intron after coding-DNA position 629, T replaced by A.
Molecular consequence: intron variant.
Genome position (GRCh38, 1-based): chr16:109,638, A>T on the plus strand (T>A on the coding strand, the complement: NPRL3 is on the minus strand). VCF-style: chr16-109638-A-T. GRCh37 (hg19) VCF-style: chr16-159636-A-T.
Other names: c.395+887T>A (NM_001243247.2); c.554+887T>A (NM_001243248.2, NM_001243249.2); c.92+887T>A (NM_001039476.3).
Identifiers: ClinVar variation 4854967 (VCV004854967.1).